The following is an entry in ClinVar:

ClinVar aggregate classification (germline): Uncertain significance. Review status: criteria provided, multiple submitters, no conflicts (2 of 4 stars). 2 submissions from 2 submitters: Uncertain significance (2). Last evaluated 2025-04-17.

Conditions:
Cardiovascular phenotype. Identifiers: MedGen CN230736.
RASopathy. Also called: Noonan spectrum disorder; rasopathies. Identifiers: Orphanet 536391, MedGen C5555857, MONDO:0021060.

Submissions (2):

Labcorp Genetics (formerly Invitae), Labcorp
Classification: Uncertain significance for RASopathy. Last evaluated: 2025-04-17. Review status: criteria provided, single submitter. Criteria: Invitae Variant Classification Sherloc (09022015). Collection method: clinical testing. Allele origin: germline.
Comment: This sequence change replaces alanine, which is neutral and non-polar, with glycine, which is neutral and non-polar, at codon 385 of the CBL protein (p.Ala385Gly). This variant is not present in population databases (gnomAD no frequency). This variant has not been reported in the literature in individuals affected with CBL-related conditions. Invitae Evidence Modeling of protein sequence and biophysical properties (such as structural, functional, and spatial information, amino acid conservation, physicochemical variation, residue mobility, and thermodynamic stability) indicates that this missense variant is expected to disrupt CBL protein function with a positive predictive value of 95%. In summary, the available evidence is currently insufficient to determine the role of this variant in disease. Therefore, it has been classified as a Variant of Uncertain Significance.

Ambry Genetics
Classification: Uncertain significance for Cardiovascular phenotype. Last evaluated: 2025-02-05. Review status: criteria provided, single submitter. Criteria: Ambry Variant Classification Scheme 2023. Collection method: clinical testing. Allele origin: germline.
Comment: The p.A385G variant (also known as c.1154C>G), located in coding exon 8 of the CBL gene, results from a C to G substitution at nucleotide position 1154. The alanine at codon 385 is replaced by glycine, an amino acid with similar properties. This amino acid position is conserved. In addition, the in silico prediction for this alteration is inconclusive. Based on the available evidence, the clinical significance of this variant remains unclear.

NM_005188.4(CBL):c.1154C>G (p.Ala385Gly)

Gene: CBL (Cbl proto-oncogene; plus strand). Cytogenetic location: 11q23.3.
Variant type: single nucleotide variant.
Coding change: c.1154C>G on transcript NM_005188.4 (MANE Select); coding-DNA position 1154, C replaced by G.
Protein change: p.Ala385Gly; replaces alanine 385 with glycine.
Molecular consequence: missense variant.
Genome position (GRCh38, 1-based): chr11:119,278,224, C>G. VCF-style: chr11-119278224-C-G. GRCh37 (hg19) VCF-style: chr11-119148934-C-G.
Other names: short protein forms A385G.
Identifiers: ClinVar variation 3827836 (VCV003827836.2).